The following is an entry in ClinVar:

ClinVar aggregate classification (germline): Likely benign. Review status: criteria provided, single submitter (1 of 4 stars). 2 submissions from 2 submitters: Likely benign (1). 1 of the submissions does not count toward it. Last evaluated 2022-06-01.

Conditions:
PHACTR1-related disorder. Also called: PHACTR1-related condition.

Allele frequency attached by ClinVar (database versions not stated): ExAC 0.00003; gnomAD exomes 0.00003; gnomAD 0.00004; TOPMed 0.00004.
gnomAD v4.1: 49 of 1,612,940 alleles (0.003%); highest among the groups gnomAD compares: South Asian, 0.0044%; no homozygotes.

Submissions (2):

CeGaT Center for Human Genetics Tuebingen
Classification: Likely benign. Last evaluated: 2022-06-01. Review status: criteria provided, single submitter. Criteria: CeGaT Center For Human Genetics Tuebingen Variant Classification Criteria Version 2. Collection method: clinical testing. Allele origin: germline. Affected: yes. Observed: 1 variant allele.
Comment: PHACTR1: BP4, BP7

PreventionGenetics, part of Exact Sciences
Classification: Likely benign for PHACTR1-related condition. Last evaluated: 2024-05-10. Review status: no assertion criteria provided. Collection method: clinical testing. Allele origin: germline. Not counted in ClinVar's aggregate classification.
Comment: This variant is classified as likely benign based on ACMG/AMP sequence variant interpretation guidelines (Richards et al. 2015 PMID: 25741868, with internal and published modifications).

NM_030948.6(PHACTR1):c.1212C>T (p.Asp404=)

Gene: PHACTR1 (phosphatase and actin regulator 1; plus strand). Cytogenetic location: 6p24.1.
Variant type: single nucleotide variant.
Coding change: c.1212C>T on transcript NM_030948.6 (MANE Select); coding-DNA position 1212, C replaced by T.
Protein change: p.Asp404=; no amino-acid change (aspartic acid 404 retained).
Molecular consequence: synonymous variant.
Genome position (GRCh38, 1-based): chr6:13,228,041, C>T. VCF-style: chr6-13228041-C-T. GRCh37 (hg19) VCF-style: chr6-13228273-C-T.
Other names: c.1212C>T, p.Asp404= (NM_001242648.4, NM_001322308.3, NM_001322309.3 and 1 more transcripts); c.1419C>T, p.Asp473= (NM_001322310.2, NM_001374582.1); c.936C>T, p.Asp312= (NM_001322311.2, NM_001322312.3, NM_001374583.2); c.1143C>T, p.Asp381= (NM_001322313.2); c.1422C>T, p.Asp474= (NM_001322314.4); c.1422C>T (NM_001322314.1).
Identifiers: ClinVar variation 2656239 (VCV002656239.24), dbSNP rs762931495, ClinGen allele CA3639261.